The following is an entry in ClinVar:

NM_001572.5(IRF7):c.1360G>A (p.Glu454Lys)

Gene: IRF7 (interferon regulatory factor 7; minus strand). Cytogenetic location: 11p15.5.
Variant type: single nucleotide variant.
Coding change: c.1360G>A on transcript NM_001572.5 (MANE Select); coding-DNA position 1360, G replaced by A.
Protein change: p.Glu454Lys; replaces glutamic acid 454 with lysine.
Molecular consequence: missense variant.
Genome position (GRCh38, 1-based): chr11:612,797, C>T on the plus strand (G>A on the coding strand, the complement: IRF7 is on the minus strand). VCF-style: chr11-612797-C-T. GRCh37 (hg19) VCF-style: chr11-612797-C-T.
Other names: c.1273G>A, p.Glu425Lys (NM_004029.4); c.1399G>A, p.Glu467Lys (NM_004031.4); short protein forms E454K, E467K, E425K.
Identifiers: ClinVar variation 2778675 (VCV002778675.3), dbSNP rs1008659575, ClinGen allele CA216908532.

ClinVar aggregate classification (germline): Uncertain significance (1 of 4 stars; one submission).

Conditions:
Immunodeficiency 39 (IMD39). Identifiers: Orphanet 574918, MedGen C4225358, MONDO:0014597, OMIM 616345.

Allele frequency attached by ClinVar (database versions not stated): TOPMed below 0.00001; gnomAD 0.00001.

Submission:

Labcorp Genetics (formerly Invitae), Labcorp
Classification: Uncertain significance for Immunodeficiency 39. Last evaluated: 2024-12-05. Review status: criteria provided, single submitter. Criteria: Invitae Variant Classification Sherloc (09022015). Collection method: clinical testing. Allele origin: germline.
Comment: This sequence change replaces glutamic acid, which is acidic and polar, with lysine, which is basic and polar, at codon 467 of the IRF7 protein (p.Glu467Lys). This variant is not present in population databases (gnomAD no frequency). This variant has not been reported in the literature in individuals affected with IRF7-related conditions. ClinVar contains an entry for this variant (Variation ID: 2778675). Invitae Evidence Modeling of protein sequence and biophysical properties (such as structural, functional, and spatial information, amino acid conservation, physicochemical variation, residue mobility, and thermodynamic stability) indicates that this missense variant is expected to disrupt IRF7 protein function with a positive predictive value of 80%. In summary, the available evidence is currently insufficient to determine the role of this variant in disease. Therefore, it has been classified as a Variant of Uncertain Significance.